The following is an entry in ClinVar:

NM_014000.3(VCL):c.1043T>A (p.Val348Glu)

Gene: VCL (vinculin; plus strand). Cytogenetic location: 10q22.2.
Variant type: single nucleotide variant.
Coding change: c.1043T>A on transcript NM_014000.3 (MANE Select); coding-DNA position 1043, T replaced by A.
Protein change: p.Val348Glu; replaces valine 348 with glutamic acid.
Molecular consequence: missense variant.
Genome position (GRCh38, 1-based): chr10:74,089,216, T>A. VCF-style: chr10-74089216-T-A. GRCh37 (hg19) VCF-style: chr10-75848974-T-A.
Other names: c.1043T>A, p.Val348Glu (NM_003373.4); short protein forms V348E.
Identifiers: ClinVar variation 3728398 (VCV003728398.2).
Genomic context (GRCh38, chr10:74,089,216, plus strand): 5'-TTGAGGGTGTACAATGACAGCATGTGTCTGTTTTGAGCAGAGGACAAGGATCCTCACCGG[T>A]GGCCATGCAGAAAGCTCAGCAGGTATCTCAGGGTCTGGATGTGCTCACAGCAAAAGTGGA-3'
Protein context (NP_054706.1, residues 338-358): LRARGQGSSP[Val348Glu]AMQKAQQVSQ

ClinVar aggregate classification (germline): Uncertain significance (1 of 4 stars; one submission).

Conditions:
Dilated cardiomyopathy 1W (CMD1W). Identifiers: Orphanet 154, MedGen C1969639, MONDO:0012667, OMIM 611407.

Submission:

Labcorp Genetics (formerly Invitae), Labcorp
Classification: Uncertain significance for Dilated cardiomyopathy 1W. Last evaluated: 2025-01-01. Review status: criteria provided, single submitter. Criteria: Invitae Variant Classification Sherloc (09022015). Collection method: clinical testing. Allele origin: germline.
Comment: This sequence change replaces valine, which is neutral and non-polar, with glutamic acid, which is acidic and polar, at codon 348 of the VCL protein (p.Val348Glu). This variant is not present in population databases (gnomAD no frequency). This variant has not been reported in the literature in individuals affected with VCL-related conditions. An algorithm developed to predict the effect of missense changes on protein structure and function (PolyPhen-2) suggests that this variant is likely to be tolerated. In summary, the available evidence is currently insufficient to determine the role of this variant in disease. Therefore, it has been classified as a Variant of Uncertain Significance.